The following is an entry in ClinVar:

NM_015015.3(KDM4B):c.1901A>G (p.Asp634Gly)

Gene: KDM4B (lysine demethylase 4B; plus strand). Cytogenetic location: 19p13.3.
Variant type: single nucleotide variant.
Coding change: c.1901A>G on transcript NM_015015.3 (MANE Select); coding-DNA position 1901, A replaced by G.
Protein change: p.Asp634Gly; replaces aspartic acid 634 with glycine.
Molecular consequence: missense variant.
Genome position (GRCh38, 1-based): chr19:5,132,002, A>G. VCF-style: chr19-5132002-A-G. GRCh37 (hg19) VCF-style: chr19-5132013-A-G.
Other names: c.2003A>G, p.Asp668Gly (NM_001411148.1); short protein forms D634G, D668G.
Identifiers: ClinVar variation 4686366 (VCV004686366.1).

ClinVar aggregate classification (germline): Uncertain significance (1 of 4 stars; one submission).

Submission:

GeneDx
Classification: Uncertain significance. Last evaluated: 2025-07-13. Review status: criteria provided, single submitter. Criteria: GeneDx Variant Classification Process June 2021. Collection method: clinical testing. Allele origin: germline. Affected: yes.
Comment: Not observed at significant frequency in large population cohorts (gnomAD); In silico analysis supports that this missense variant has a deleterious effect on protein structure/function; Has not been previously published as pathogenic or benign to our knowledge